The following is an entry in ClinVar:

NM_001792.5(CDH2):c.2246G>A (p.Arg749Gln)

Gene: CDH2 (cadherin 2; minus strand). Cytogenetic location: 18q12.1.
Variant type: single nucleotide variant.
Coding change: c.2246G>A on transcript NM_001792.5 (MANE Select); coding-DNA position 2246, G replaced by A.
Protein change: p.Arg749Gln; replaces arginine 749 with glutamine.
Molecular consequence: missense variant.
Genome position (GRCh38, 1-based): chr18:27,983,047, C>T on the plus strand (G>A on the coding strand, the complement: CDH2 is on the minus strand). VCF-style: chr18-27983047-C-T. GRCh37 (hg19) VCF-style: chr18-25563011-C-T.
Other names: c.2153G>A, p.Arg718Gln (NM_001308176.2); c.2246G>A (NM_001792.3); short protein forms R749Q, R718Q.
Identifiers: ClinVar variation 2074947 (VCV002074947.5), dbSNP rs373060189, ClinGen allele CA8923191.
Genomic context (GRCh38, chr18:27,983,047, plus strand): 5'-TTATCTCTTACATCATCTTCTGGATCAATTAAAAGTTGTTTGGCCTGGCGTTCTTTATCC[C>T]GGCGTTTCATCCATACCACAAACATCAGCACAAGGACTAGGTAGAAAAATAGTAAAAATA-3'
Protein context (NP_001783.2, residues 739-759): VLMFVVWMKR[Arg749Gln]DKERQAKQLL

ClinVar aggregate classification (germline): Conflicting classifications of pathogenicity. Review status: criteria provided, conflicting classifications (1 of 4 stars). 2 submissions from 2 submitters: Uncertain significance (1); Likely benign (1). Last evaluated 2025-12-03.

Conditions:
Inborn genetic diseases. Identifiers: MedGen C0950123, MeSH D030342.

Allele frequency attached by ClinVar (database versions not stated): ExAC 0.00007; ESP Exome Variant Server 0.00008; gnomAD 0.00002; gnomAD exomes 0.00002; TOPMed 0.00002.
gnomAD v4.1: 32 of 1,612,354 alleles (0.002%); highest among the groups gnomAD compares: East Asian, 0.022%; no homozygotes.

Submissions (2):

Labcorp Genetics (formerly Invitae), Labcorp
Classification: Uncertain significance. Last evaluated: 2025-12-03. Review status: criteria provided, single submitter. Criteria: Invitae Variant Classification Sherloc (09022015). Collection method: clinical testing. Allele origin: germline.
Comment: This sequence change replaces arginine, which is basic and polar, with glutamine, which is neutral and polar, at codon 749 of the CDH2 protein (p.Arg749Gln). This variant is present in population databases (rs373060189, gnomAD 0.03%). This variant has not been reported in the literature in individuals affected with CDH2-related conditions. ClinVar contains an entry for this variant (Variation ID: 2074947). An algorithm developed to predict the effect of missense changes on protein structure and function (PolyPhen-2) suggests that this variant is likely to be disruptive. In summary, the available evidence is currently insufficient to determine the role of this variant in disease. Therefore, it has been classified as a Variant of Uncertain Significance.

Ambry Genetics
Classification: Likely benign for Inborn genetic diseases. Last evaluated: 2024-11-10. Review status: criteria provided, single submitter. Criteria: Ambry Variant Classification Scheme 2023. Collection method: clinical testing. Allele origin: germline.